The following is an entry in ClinVar:

ClinVar aggregate classification (germline): Likely benign (1 of 4 stars; one submission).

Submission:

CeGaT Center for Human Genetics Tuebingen
Classification: Likely benign. Last evaluated: 2026-05-01. Review status: criteria provided, single submitter. Criteria: CeGaT Center For Human Genetics Tuebingen Variant Classification Criteria Version 2. Collection method: clinical testing. Allele origin: germline. Affected: yes. Observed: 1 variant allele.
Comment: GIPC3: PM2:Supporting, BP4, BP7

NM_133261.3(GIPC3):c.*782T>C

Gene: GIPC3 (GIPC PDZ domain containing family member 3; plus strand). Cytogenetic location: 19p13.3.
Variant type: single nucleotide variant.
Coding change: c.*782T>C on transcript NM_133261.3 (MANE Select); 782 bases downstream of the stop codon, T replaced by C.
Molecular consequence: 3 prime UTR variant. On other transcripts: synonymous variant (1).
Genome position (GRCh38, 1-based): chr19:3,590,972, T>C. VCF-style: chr19-3590972-T-C. GRCh37 (hg19) VCF-style: chr19-3590970-T-C.
Other names: c.1734T>C, p.Cys578= (NM_001411144.1).
Identifiers: ClinVar variation 4873942 (VCV004873942.2).